The following is an entry in ClinVar:

NM_177550.5(SLC13A5):c.781A>G (p.Met261Val)

Gene: SLC13A5 (solute carrier family 13 member 5; minus strand). Cytogenetic location: 17p13.1.
Variant type: single nucleotide variant.
Coding change: c.781A>G on transcript NM_177550.5 (MANE Select); coding-DNA position 781, A replaced by G.
Protein change: p.Met261Val; replaces methionine 261 with valine.
Molecular consequence: missense variant.
Genome position (GRCh38, 1-based): chr17:6,701,062, T>C on the plus strand (A>G on the coding strand, the complement: SLC13A5 is on the minus strand). VCF-style: chr17-6701062-T-C. GRCh37 (hg19) VCF-style: chr17-6604381-T-C.
Other names: c.781A>G, p.Met261Val (NM_001143838.3); c.730A>G, p.Met244Val (NM_001284509.2); c.652A>G, p.Met218Val (NM_001284510.2); short protein forms M218V, M244V, M261V.
Identifiers: ClinVar variation 2090994 (VCV002090994.4), dbSNP rs2544634391, ClinGen allele CA397747122.

ClinVar aggregate classification (germline): Uncertain significance (1 of 4 stars; one submission).

Conditions:
Developmental and epileptic encephalopathy, 25 (DEE25). Also called: Epileptic encephalopathy, early infantile, 25; Developmental and epileptic encephalopathy 25, with amelogenesis imperfecta; Epileptic encephalopathy, early infantile, 25, with amelogenesis imperfecta. Identifiers: Orphanet 442835, MedGen C4014621, MONDO:0014392, OMIM 615905.

Allele frequency attached by ClinVar (database versions not stated): gnomAD exomes below 0.00001.
gnomAD v4.1: 1 of 1,614,182 alleles (0.000062%); no homozygotes.

Submission:

Labcorp Genetics (formerly Invitae), Labcorp
Classification: Uncertain significance for Developmental and epileptic encephalopathy, 25. Last evaluated: 2023-08-04. Review status: criteria provided, single submitter. Criteria: Invitae Variant Classification Sherloc (09022015). Collection method: clinical testing. Allele origin: germline.
Comment: Advanced modeling of protein sequence and biophysical properties (such as structural, functional, and spatial information, amino acid conservation, physicochemical variation, residue mobility, and thermodynamic stability) performed at Invitae indicates that this missense variant is not expected to disrupt SLC13A5 protein function. In summary, the available evidence is currently insufficient to determine the role of this variant in disease. Therefore, it has been classified as a Variant of Uncertain Significance. ClinVar contains an entry for this variant (Variation ID: 2090994). This sequence change replaces methionine, which is neutral and non-polar, with valine, which is neutral and non-polar, at codon 261 of the SLC13A5 protein (p.Met261Val). This variant is not present in population databases (gnomAD no frequency). This variant has not been reported in the literature in individuals affected with SLC13A5-related conditions.